The following is an entry in ClinVar:

ClinVar aggregate classification (germline): Conflicting classifications of pathogenicity. Review status: criteria provided, conflicting classifications (1 of 4 stars). 4 submissions from 4 submitters: Uncertain significance (3); Likely benign (1). Last evaluated 2026-08-14.

Conditions:
Hereditary cancer-predisposing syndrome. Also called: Tumor predisposition; Hereditary Cancer Syndrome; Neoplastic Syndromes, Hereditary; Hereditary neoplastic syndrome. Identifiers: Orphanet 140162, MedGen C0027672, MeSH D009386, MONDO:0015356.
Multiple endocrine neoplasia, type 2 (MEN2). Identifiers: Orphanet 653, MedGen C4048306, MONDO:0019003. Disease mechanism: gain of function.

Allele frequency attached by ClinVar (database versions not stated): gnomAD exomes below 0.00001; ExAC 0.00001; gnomAD 0.00001.
gnomAD v4.1: 2 of 1,533,884 alleles (0.00013%); highest among the groups gnomAD compares: African/African-American, 0.0014%; no homozygotes.

Submissions (4):

Ambry Genetics
Classification: Likely benign for Hereditary cancer-predisposing syndrome. Last evaluated: 2026-08-14. Review status: criteria provided, single submitter. Criteria: Ambry Variant Classification Scheme 2023. Collection method: clinical testing. Allele origin: germline.

Labcorp Genetics (formerly Invitae), Labcorp
Classification: Uncertain significance for Multiple endocrine neoplasia, type 2. Last evaluated: 2026-01-28. Review status: criteria provided, single submitter. Criteria: Invitae Variant Classification Sherloc (09022015). Collection method: clinical testing. Allele origin: germline.
Comment: This sequence change replaces valine, which is neutral and non-polar, with isoleucine, which is neutral and non-polar, at codon 502 of the RET protein (p.Val502Ile). The frequency data for this variant in the population databases is considered unreliable, as metrics indicate poor data quality at this position in the gnomAD database. This variant has not been reported in the literature in individuals affected with RET-related conditions. ClinVar contains an entry for this variant (Variation ID: 819407). An algorithm developed to predict the effect of missense changes on protein structure and function outputs the following: PolyPhen-2: "Benign". The isoleucine amino acid residue is found in multiple mammalian species, which suggests that this missense change does not adversely affect protein function. In summary, the available evidence is currently insufficient to determine the role of this variant in disease. Therefore, it has been classified as a Variant of Uncertain Significance.

All of Us Research Program, National Institutes of Health
Classification: Uncertain significance for Multiple endocrine neoplasia, type 2. Last evaluated: 2024-07-20. Review status: criteria provided, single submitter. Criteria: ACMG Guidelines, 2015. Collection method: clinical testing. Allele origin: germline. Inheritance: Autosomal dominant inheritance. Observed: 3 variant alleles, 3 heterozygotes.
Comment: This missense variant replaces valine with isoleucine at codon 502 of the RET protein. Computational prediction suggests that this variant may not impact protein structure and function (internally defined REVEL score threshold <= 0.5, PMID: 27666373). To our knowledge, functional studies have not been reported for this variant. This variant has not been reported in individuals affected with RET-related disorders in the literature. This variant has been identified in 1/280320 chromosomes in the general population by the Genome Aggregation Database (gnomAD). The available evidence is insufficient to determine the role of this variant in disease conclusively. Therefore, this variant is classified as a Variant of Uncertain Significance.

This study involves interpretation of variants in research participants for the purpose of population health screening. Participant phenotype was not available at the time of variant classification. Additional details can be found in publication PMID: 35346344, PMCID: PMC8962531

Color Diagnostics, LLC DBA Color Health
Classification: Uncertain significance for Multiple endocrine neoplasia, type 2. Last evaluated: 2024-03-06. Review status: criteria provided, single submitter. Criteria: ACMG Guidelines, 2015. Collection method: clinical testing. Allele origin: germline.
Comment: This missense variant replaces valine with isoleucine at codon 502 of the RET protein. Computational prediction suggests that this variant may not impact protein structure and function. To our knowledge, functional studies have not been reported for this variant. This variant has not been reported in individuals affected with RET-related disorders in the literature. This variant has been identified in 1/280320 chromosomes in the general population by the Genome Aggregation Database (gnomAD). The available evidence is insufficient to determine the role of this variant in disease conclusively. Therefore, this variant is classified as a Variant of Uncertain Significance.

NM_020975.6(RET):c.1504G>A (p.Val502Ile)

Gene: RET (ret proto-oncogene; plus strand). Cytogenetic location: 10q11.21.
Variant type: single nucleotide variant.
Coding change: c.1504G>A on transcript NM_020975.6 (MANE Select); coding-DNA position 1504, G replaced by A.
Protein change: p.Val502Ile; replaces valine 502 with isoleucine.
Molecular consequence: missense variant.
Genome position (GRCh38, 1-based): chr10:43,111,447, G>A. VCF-style: chr10-43111447-G-A. GRCh37 (hg19) VCF-style: chr10-43606895-G-A.
Other names: c.1375G>A, p.Val459Ile (NM_001406764.1, NM_001406768.1, NM_001406761.1 and 1 more transcripts); c.1108G>A, p.Val370Ile (NM_001406769.1, NM_001406772.1); c.1504G>A, p.Val502Ile (NM_001406765.1, NM_000323.2, NM_001406743.1 and 6 more transcripts); c.1216G>A, p.Val406Ile (NM_001406770.1, NM_001406766.1, NM_001406767.1); c.1066G>A, p.Val356Ile (NM_001406771.1, NM_001406773.1); c.742G>A, p.Val248Ile (NM_001355216.2); c.979G>A, p.Val327Ile (NM_001406774.1); c.778G>A, p.Val260Ile (NM_001406775.1, NM_001406776.1, NM_001406777.1 and 1 more transcripts); and 1 more; short protein forms V502I, V248I, V172I, V260I, V356I, V327I, V370I, V406I.
Identifiers: ClinVar variation 819407 (VCV000819407.18), dbSNP rs770395347, ClinGen allele CA033939.